The following is an entry in ClinVar:

ClinVar aggregate classification (germline): Uncertain significance (1 of 4 stars; one submission).

Allele frequency attached by ClinVar (database versions not stated): gnomAD 0.00006; TOPMed 0.00007.
gnomAD v4.1: 14 of 1,614,000 alleles (0.00087%); highest among the groups gnomAD compares: African/African-American, 0.017%; no homozygotes.

Submission:

Labcorp Genetics (formerly Invitae), Labcorp
Classification: Uncertain significance. Last evaluated: 2022-09-27. Review status: criteria provided, single submitter. Criteria: Invitae Variant Classification Sherloc (09022015). Collection method: clinical testing. Allele origin: germline.
Comment: In summary, the available evidence is currently insufficient to determine the role of this variant in disease. Therefore, it has been classified as a Variant of Uncertain Significance. Advanced modeling of protein sequence and biophysical properties (such as structural, functional, and spatial information, amino acid conservation, physicochemical variation, residue mobility, and thermodynamic stability) performed at Invitae indicates that this missense variant is expected to disrupt IDH3B protein function. ClinVar contains an entry for this variant (Variation ID: 954683). This variant has not been reported in the literature in individuals affected with IDH3B-related conditions. This variant is present in population databases (rs767970629, gnomAD 0.01%). This sequence change replaces asparagine, which is neutral and polar, with lysine, which is basic and polar, at codon 252 of the IDH3B protein (p.Asn252Lys).

NM_006899.5(IDH3B):c.756C>G (p.Asn252Lys)

Gene: IDH3B (isocitrate dehydrogenase (NAD(+)) 3 non-catalytic subunit beta; minus strand). Cytogenetic location: 20p13.
Variant type: single nucleotide variant.
Coding change: c.756C>G on transcript NM_006899.5 (MANE Select); coding-DNA position 756, C replaced by G.
Protein change: p.Asn252Lys; replaces asparagine 252 with lysine.
Molecular consequence: missense variant. On other transcripts: non-coding transcript variant (1).
Genome position (GRCh38, 1-based): chr20:2,660,275, G>C on the plus strand (C>G on the coding strand, the complement: IDH3B is on the minus strand). VCF-style: chr20-2660275-G-C. GRCh37 (hg19) VCF-style: chr20-2640921-G-C.
Other names: c.756C>G, p.Asn252Lys (NM_001258384.3, NM_001330763.2, NM_174855.4); short protein forms N252K.
Identifiers: ClinVar variation 954683 (VCV000954683.7), dbSNP rs767970629, ClinGen allele CA9735192.